The following is an entry in ClinVar:

NM_022455.5(NSD1):c.241A>G (p.Met81Val)

Gene: NSD1 (nuclear receptor binding SET domain protein 1; plus strand). Cytogenetic location: 5q35.3.
Variant type: single nucleotide variant.
Coding change: c.241A>G on transcript NM_022455.5 (MANE Select); coding-DNA position 241, A replaced by G.
Protein change: p.Met81Val; replaces methionine 81 with valine.
Molecular consequence: missense variant. On other transcripts: intron variant (7).
Genome position (GRCh38, 1-based): chr5:177,135,344, A>G. VCF-style: chr5-177135344-A-G. GRCh37 (hg19) VCF-style: chr5-176562345-A-G.
Other names: c.241A>G, p.Met81Val (NM_001409301.1, NM_001409302.1, NM_001409303.1 and 1 more transcripts); c.-37+144A>G (NM_001409305.1, NM_001409306.1, NM_001409308.1 and 4 more transcripts); short protein forms M81V.
Identifiers: ClinVar variation 454045 (VCV000454045.15), dbSNP rs763781326, ClinGen allele CA3576860.

ClinVar aggregate classification (germline): Conflicting classifications of pathogenicity. Review status: criteria provided, conflicting classifications (1 of 4 stars). 4 submissions from 4 submitters: Uncertain significance (2); Likely benign (2). Last evaluated 2024-08-29.

Conditions:
Sotos syndrome (SOTOS). Also called: CEREBRAL GIGANTISM; Sotos' syndrome; Distinctive facial appearance, overgrowth in childhood, and learning disabilities or delayed development; CHROMOSOME 5q35 DELETION SYNDROME; SOTOS SYNDROME 1. Identifiers: Orphanet 821, MedGen C0175695, MONDO:0019349, OMIM 117550.
Inborn genetic diseases. Identifiers: MedGen C0950123, MeSH D030342.

Allele frequency attached by ClinVar (database versions not stated): ExAC 0.00001; gnomAD exomes 0.00001; TOPMed 0.00003; gnomAD 0.00002.
gnomAD v4.1: 28 of 1,611,598 alleles (0.0017%); highest among the groups gnomAD compares: Non-Finnish European, 0.0021%; no homozygotes.

Submissions (4):

Labcorp Genetics (formerly Invitae), Labcorp
Classification: Likely benign. Last evaluated: 2024-08-29. Review status: criteria provided, single submitter. Criteria: Invitae Variant Classification Sherloc (09022015). Collection method: clinical testing. Allele origin: germline.

Fulgent Genetics
Classification: Likely benign for Sotos syndrome. Last evaluated: 2024-06-18. Review status: criteria provided, single submitter. Criteria: ACMG Guidelines, 2015. Collection method: clinical testing. Allele origin: germline.

Genome-Nilou Lab
Classification: Uncertain significance for Sotos syndrome. Last evaluated: 2021-07-15. Review status: criteria provided, single submitter. Criteria: ACMG Guidelines, 2015. Collection method: clinical testing. Allele origin: germline. Affected: no.

Ambry Genetics
Classification: Uncertain significance for Inborn genetic diseases. Last evaluated: 2017-03-09. Review status: criteria provided, single submitter. Criteria: Ambry Variant Classification Scheme 2023. Collection method: clinical testing. Allele origin: germline.
Comment: The p.M81V variant (also known as c.241A>G), located in coding exon 1 of the NSD1 gene, results from an A to G substitution at nucleotide position 241. The methionine at codon 81 is replaced by valine, an amino acid with highly similar properties. This amino acid position is well conserved in available vertebrate species. In addition, the in silico prediction for this alteration is inconclusive. Since supporting evidence is limited at this time, the clinical significance of this alteration remains unclear.